The following is an entry in ClinVar:

NM_005732.4(RAD50):c.904G>T (p.Glu302Ter)

Gene: RAD50 (RAD50 double strand break repair protein; plus strand). Cytogenetic location: 5q31.1.
Variant type: single nucleotide variant.
Coding change: c.904G>T on transcript NM_005732.4 (MANE Select); coding-DNA position 904, G replaced by T.
Protein change: p.Glu302Ter; replaces glutamic acid 302 with a stop codon.
Molecular consequence: nonsense.
Genome position (GRCh38, 1-based): chr5:132,587,942, G>T. VCF-style: chr5-132587942-G-T. GRCh37 (hg19) VCF-style: chr5-131923634-G-T.
Other names: short protein forms E302*.
Identifiers: ClinVar variation 141896 (VCV000141896.4), dbSNP rs587782090, ClinGen allele CA166733.

ClinVar aggregate classification (germline): Pathogenic. Review status: criteria provided, multiple submitters, no conflicts (2 of 4 stars). 2 submissions from 2 submitters: Pathogenic (2). Last evaluated 2018-10-31.

Conditions:
Hereditary cancer-predisposing syndrome. Also called: Neoplastic Syndromes, Hereditary; Tumor predisposition; Hereditary Cancer Syndrome; Hereditary neoplastic syndrome. Identifiers: Orphanet 140162, MedGen C0027672, MeSH D009386, MONDO:0015356.
Nijmegen breakage syndrome-like disorder (NBSLD). Also called: MICROCEPHALY AND SPONTANEOUS CHROMOSOME INSTABILITY WITHOUT IMMUNODEFICIENCY; NBS-LIKE DISORDER; RAD50 DEFICIENCY. Identifiers: Orphanet 240760, MedGen C2751318, MONDO:0013118, OMIM 613078.

Submissions (2):

Fulgent Genetics
Classification: Pathogenic for Nijmegen breakage syndrome-like disorder. Last evaluated: 2018-10-31. Review status: criteria provided, single submitter. Criteria: ACMG Guidelines, 2015. Collection method: clinical testing. Allele origin: unknown.

Ambry Genetics
Classification: Pathogenic for Hereditary cancer-predisposing syndrome. Last evaluated: 2014-01-03. Review status: criteria provided, single submitter. Criteria: Ambry Autosomal Dominant and X-Linked criteria (10/2015). Collection method: clinical testing. Allele origin: germline. Observed: 1 variant allele.
Comment: Ã¢â‚¬â€¹The p.E302* pathogenic mutation (also known as c.904G>T), located in coding exon 7 of the RAD50 gene, results from a G to T substitution at nucleotide position 904. This changes the amino acid from a glutamic acid to a stop codon within coding exon 7. Since premature stop codons are typically deleterious in nature, this alteration is interpreted as a disease-causing mutation (ACMG Recommendations for Standards for Interpretation and Reporting of Sequence Variations. Revision 2007. Genet Med. 2008;10:294).